The following is an entry in ClinVar:

ClinVar aggregate classification (germline): Uncertain significance (1 of 4 stars; one submission).

Conditions:
Syndromic multisystem autoimmune disease due to ITCH deficiency. Also called: AUTOIMMUNE DISEASE, MULTISYSTEM, WITH FACIAL DYSMORPHISM. Identifiers: Orphanet 228426, MedGen C3150649, MONDO:0013245, OMIM 613385.

Submission:

Labcorp Genetics (formerly Invitae), Labcorp
Classification: Uncertain significance for Syndromic multisystem autoimmune disease due to ITCH deficiency. Last evaluated: 2023-10-03. Review status: criteria provided, single submitter. Criteria: Invitae Variant Classification Sherloc (09022015). Collection method: clinical testing. Allele origin: germline.
Comment: This variant, c.763_768dup, results in the insertion of 2 amino acid(s) of the ITCH protein (p.Asn255_Thr256dup), but otherwise preserves the integrity of the reading frame. This variant is present in population databases (rs752161809, gnomAD 0.01%). This variant has not been reported in the literature in individuals affected with ITCH-related conditions. Experimental studies and prediction algorithms are not available or were not evaluated, and the functional significance of this variant is currently unknown. In summary, the available evidence is currently insufficient to determine the role of this variant in disease. Therefore, it has been classified as a Variant of Uncertain Significance.

NM_031483.7(ITCH):c.751AATACA[4] (p.251NT[4])

Gene: ITCH (itchy E3 ubiquitin protein ligase; plus strand). Cytogenetic location: 20q11.22.
Variant type: Microsatellite.
Coding change: c.751AATACA[4] on transcript NM_031483.7 (MANE Select); four copies in a row of the 6-base unit AATACA starting at c.751; the reference has three copies in a row; one copy, 6 bases duplicated.
Protein change: p.251NT[4].
Molecular consequence: inframe insertion.
Genome position (GRCh38, 1-based): chr20:34,440,238-34,440,243, AATACA duplicated; duplicating any 6 consecutive bases within chr20:34,440,223-34,440,243 gives the same sequence; the position shown is the placement nearest the transcript's 3' end. VCF-style (leftmost placement, unchanged base first): chr20-34440222-G-GACAAAT. GRCh37 (hg19) VCF-style: chr20-33028027-G-GACAAAT.
Other names: c.874AATACA[4], p.292NT[4] (NM_001257137.3, NM_001324197.2); c.421AATACA[4], p.141NT[4] (NM_001257138.3); c.751AATACA[4], p.251NT[4] (NM_001324198.2).
Identifiers: ClinVar variation 538753 (VCV000538753.6), dbSNP rs752161809, ClinGen allele CA9821430.